The following is an entry in ClinVar:

NM_006059.4(LAMC3):c.4265C>T (p.Ala1422Val)

Gene: LAMC3 (laminin subunit gamma 3; plus strand). Cytogenetic location: 9q34.12.
Variant type: single nucleotide variant.
Coding change: c.4265C>T on transcript NM_006059.4 (MANE Select); coding-DNA position 4265, C replaced by T.
Protein change: p.Ala1422Val; replaces alanine 1422 with valine.
Molecular consequence: missense variant.
Genome position (GRCh38, 1-based): chr9:131,087,510, C>T. VCF-style: chr9-131087510-C-T. GRCh37 (hg19) VCF-style: chr9-133962897-C-T.
Other names: c.4265C>T (NM_006059.3); short protein forms A1422V.
Identifiers: ClinVar variation 1930106 (VCV001930106.3), dbSNP rs769198717, ClinGen allele CA5288111.

ClinVar aggregate classification (germline): Conflicting classifications of pathogenicity. Review status: criteria provided, conflicting classifications (1 of 4 stars). 2 submissions from 2 submitters: Uncertain significance (1); Likely benign (1). Last evaluated 2025-02-01.

Conditions:
Inborn genetic diseases. Identifiers: MedGen C0950123, MeSH D030342.

Allele frequency attached by ClinVar (database versions not stated): TOPMed 0.00001.
gnomAD v4.1: 17 of 1,613,808 alleles (0.0011%); highest among the groups gnomAD compares: South Asian, 0.0022%; no homozygotes.

Submissions (2):

Ambry Genetics
Classification: Likely benign for Inborn genetic diseases. Last evaluated: 2025-02-01. Review status: criteria provided, single submitter. Criteria: Ambry Variant Classification Scheme 2023. Collection method: clinical testing. Allele origin: germline.

Labcorp Genetics (formerly Invitae), Labcorp
Classification: Uncertain significance. Last evaluated: 2022-04-08. Review status: criteria provided, single submitter. Criteria: Invitae Variant Classification Sherloc (09022015). Collection method: clinical testing. Allele origin: germline.
Comment: This sequence change replaces alanine, which is neutral and non-polar, with valine, which is neutral and non-polar, at codon 1422 of the LAMC3 protein (p.Ala1422Val). This variant is present in population databases (rs769198717, gnomAD 0.003%). This variant has not been reported in the literature in individuals affected with LAMC3-related conditions. Algorithms developed to predict the effect of missense changes on protein structure and function output the following: SIFT: "Tolerated"; PolyPhen-2: "Benign"; Align-GVGD: "Class C0". The valine amino acid residue is found in multiple mammalian species, which suggests that this missense change does not adversely affect protein function. Algorithms developed to predict the effect of sequence changes on RNA splicing suggest that this variant may create or strengthen a splice site. In summary, the available evidence is currently insufficient to determine the role of this variant in disease. Therefore, it has been classified as a Variant of Uncertain Significance.